The following is an entry in ClinVar:

NM_001349253.2(SCN11A):c.4486T>C (p.Ser1496Pro)

Gene: SCN11A (sodium voltage-gated channel alpha subunit 11; minus strand). Cytogenetic location: 3p22.2.
Variant type: single nucleotide variant.
Coding change: c.4486T>C on transcript NM_001349253.2 (MANE Select); coding-DNA position 4486, T replaced by C.
Protein change: p.Ser1496Pro; replaces serine 1496 with proline.
Molecular consequence: missense variant.
Genome position (GRCh38, 1-based): chr3:38,847,584, A>G on the plus strand (T>C on the coding strand, the complement: SCN11A is on the minus strand). VCF-style: chr3-38847584-A-G. GRCh37 (hg19) VCF-style: chr3-38889075-A-G.
Other names: c.4486T>C, p.Ser1496Pro (NM_014139.3); short protein forms S1496P.
Identifiers: ClinVar variation 965602 (VCV000965602.7), dbSNP rs767180182, ClinGen allele CA2321506.

ClinVar aggregate classification (germline): Uncertain significance. Review status: criteria provided, multiple submitters, no conflicts (2 of 4 stars). 2 submissions from 2 submitters: Uncertain significance (2). Last evaluated 2025-08-22.

Conditions:
Inborn genetic diseases. Identifiers: MedGen C0950123, MeSH D030342.
Hereditary sensory and autonomic neuropathy type 7. Also called: HSAN VII; Neuropathy, hereditary sensory and autonomic, type VII. Identifiers: Orphanet 391397, MedGen C3809882, MONDO:0014244, OMIM 615548.
Familial episodic pain syndrome with predominantly lower limb involvement. Also called: Episodic pain syndrome, familial, 3. Identifiers: Orphanet 391384, Orphanet 391392, MedGen C3809899, MONDO:0014247, OMIM 615552.

Allele frequency attached by ClinVar (database versions not stated): ExAC 0.00001; gnomAD exomes 0.00001 and 0.00003; TOPMed 0.00001; gnomAD 0.00002.
gnomAD v4.1: 59 of 1,614,074 alleles (0.0037%); highest among the groups gnomAD compares: Non-Finnish European, 0.0044%; no homozygotes.

Submissions (2):

Ambry Genetics
Classification: Uncertain significance for Inborn genetic diseases. Last evaluated: 2025-08-22. Review status: criteria provided, single submitter. Criteria: Ambry Variant Classification Scheme 2023. Collection method: clinical testing. Allele origin: germline.

Labcorp Genetics (formerly Invitae), Labcorp
Classification: Uncertain significance for Familial episodic pain syndrome with predominantly lower limb involvement; Hereditary sensory and autonomic neuropathy type 7. Last evaluated: 2023-07-03. Review status: criteria provided, single submitter. Criteria: Invitae Variant Classification Sherloc (09022015). Collection method: clinical testing. Allele origin: germline.
Comment: This sequence change replaces serine, which is neutral and polar, with proline, which is neutral and non-polar, at codon 1496 of the SCN11A protein (p.Ser1496Pro). This variant is present in population databases (rs767180182, gnomAD 0.003%). In summary, the available evidence is currently insufficient to determine the role of this variant in disease. Therefore, it has been classified as a Variant of Uncertain Significance. Advanced modeling of protein sequence and biophysical properties (such as structural, functional, and spatial information, amino acid conservation, physicochemical variation, residue mobility, and thermodynamic stability) performed at Invitae indicates that this missense variant is expected to disrupt SCN11A protein function. ClinVar contains an entry for this variant (Variation ID: 965602). This variant has not been reported in the literature in individuals affected with SCN11A-related conditions.